The following is an entry in ClinVar:

ClinVar aggregate classification (germline): Uncertain significance (1 of 4 stars; one submission).

Conditions:
Hereditary cancer-predisposing syndrome. Also called: Neoplastic Syndromes, Hereditary; Tumor predisposition; Hereditary neoplastic syndrome; Hereditary Cancer Syndrome. Identifiers: Orphanet 140162, MedGen C0027672, MeSH D009386, MONDO:0015356.

Submission:

Ambry Genetics
Classification: Uncertain significance for Hereditary cancer-predisposing syndrome. Last evaluated: 2026-08-18. Review status: criteria provided, single submitter. Criteria: Ambry Variant Classification Scheme 2023. Collection method: clinical testing. Allele origin: germline.
Comment: The c.1903_1905delGAC variant (also known as p.D635del) is located in coding exon 14 of the PTCH1 gene. This variant results from an in-frame GAC deletion at nucleotide positions 1903 to 1905. This results in the in-frame deletion of an aspartic acid at codon 635. This amino acid position is not well conserved in available vertebrate species. In addition, the in silico prediction for this variant is inconclusive (Choi Y et al. PLoS ONE. 2012; 7(10):e46688). Based on the available evidence, the clinical significance of this variant remains unclear.

NM_000264.5(PTCH1):c.1903_1905del (p.Asp635del)

Genes: PTCH1 (patched 1; minus strand), LOC100507346 (uncharacterized LOC100507346; plus strand). Cytogenetic location: 9q22.32.
Variant type: Deletion.
Coding change: c.1903_1905del on transcript NM_000264.5 (MANE Select); coding-DNA positions 1903 to 1905, 3 bases deleted (GAC; older notation c.1903_1905delGAC).
Protein change: p.Asp635del; deletes aspartic acid 635.
Molecular consequence: non-coding transcript variant (on NR_038982.1). On other transcripts: inframe indel (1).
Genome position (GRCh38, 1-based): chr9:95,469,096-95,469,098, GTC deleted on the plus strand (GAC on the coding strand, the reverse complement: PTCH1 is on the minus strand); deleting any 3 consecutive bases within chr9:95,469,096-95,469,100 gives the same sequence; the c. name uses the placement nearest the transcript's 3' end. VCF-style (leftmost placement, unchanged base first): chr9-95469095-TGTC-T. GRCh37 (hg19) VCF-style: chr9-98231377-TGTC-T.
Other names: c.1705_1707del, p.Asp569del (NM_001083602.3); c.1900_1902del, p.Asp634del (NM_001083603.3); c.1450_1452del, p.Asp484del (NM_001083604.3, NM_001083605.3, NM_001083606.3 and 1 more transcripts); c.1747_1749del, p.Asp583del (NM_001354918.2); c.1903_1905delGAC (NM_000264.3); short protein forms D569del, D583del, D635del, D484del, D634del.
Identifiers: ClinVar variation 5027438 (VCV005027438.1).